The following is an entry in ClinVar:

ClinVar aggregate classification (germline): Benign/Likely benign. Review status: criteria provided, multiple submitters, no conflicts (2 of 4 stars). 10 submissions from 9 submitters: Benign (3); Likely benign (6). 1 of the submissions does not count toward it. Last evaluated 2025-12-12.

Conditions:
SYNE1-related disorder. Also called: SYNE1-related disorders; SYNE1-related disease; SYNE1-related condition.
Autosomal recessive ataxia, Beauce type. Also called: Spinocerebellar ataxia, autosomal recessive 8; ATAXIA, RECESSIVE, OF BEAUCE; SYNE1 Deficiency; SYNE1-Related Autosomal Recessive Cerebellar Ataxia. Identifiers: Orphanet 88644, MedGen C1853116, MONDO:0012549, OMIM 610743.
Emery-Dreifuss muscular dystrophy 4, autosomal dominant (EDMD4). Also called: EMERY-DREIFUSS MUSCULAR DYSTROPHY 4 WITH VARIABLE FEATURES. Identifiers: Orphanet 261, MedGen C2751807, MONDO:0013071, OMIM 612998.

Allele frequency attached by ClinVar (database versions not stated): gnomAD exomes 0.00022 and 0.00058; ExAC 0.00063; 1000 Genomes Project 30x 0.00219; 1000 Genomes Project 0.00220; gnomAD 0.00252 and 0.00276; ESP Exome Variant Server 0.00269; TOPMed 0.00274.
gnomAD v4.1: 715 of 1,614,060 alleles (0.044%); highest among the groups gnomAD compares: African/African-American, 0.87%; 1 homozygote.

Submissions (10):

Labcorp Genetics (formerly Invitae), Labcorp
Classification: Benign for Emery-Dreifuss muscular dystrophy 4, autosomal dominant; Autosomal recessive ataxia, Beauce type. Last evaluated: 2025-12-12. Review status: criteria provided, single submitter. Criteria: Invitae Variant Classification Sherloc (09022015). Collection method: clinical testing. Allele origin: germline.

Mayo Clinic Laboratories, Mayo Clinic
Classification: Likely benign. Last evaluated: 2025-07-31. Review status: criteria provided, single submitter. Criteria: ACMG Guidelines, 2015. Collection method: clinical testing. Allele origin: germline. Observed: 1 variant allele.
Comment: BS1, BP4_moderate

Women's Health and Genetics/Laboratory Corporation of America, LabCorp
Classification: Likely benign. Last evaluated: 2024-01-08. Review status: criteria provided, single submitter. Criteria: LabCorp Variant Classification Summary - May 2015. Collection method: clinical testing. Allele origin: germline.
Comment: Variant summary: SYNE1 c.2198A>G (p.Glu733Gly) results in a non-conservative amino acid change in the encoded protein sequence. Four of five in-silico tools predict a benign effect of the variant on protein function. The variant allele was found at a frequency of 0.00044 in 1614060 control chromosomes, predominantly at a frequency of 0.0087 within the African or African-American subpopulation in the gnomAD database (v4.0.0), including 1 homozygotes, suggesting a benign role for the variant. c.2198A>G has been reported in the literature in individuals affected with SYNE1-Related Disorders (Ngo_2020) without evidence for causality. These report(s) do not provide unequivocal conclusions about association of the variant with SYNE1-Related Disorders. To our knowledge, no experimental evidence demonstrating an impact on protein function has been reported. The following publication have been ascertained in the context of this evaluation (PMID: 31692161). ClinVar contains an entry for this variant (Variation ID: 286923). Based on the evidence outlined above, the variant was classified as likely benign.

ARUP Laboratories, Molecular Genetics and Genomics, ARUP Laboratories
Classification: Likely benign. Last evaluated: 2018-10-23. Review status: criteria provided, single submitter. Criteria: ARUP Molecular Germline Variant Investigation Process. Collection method: clinical testing. Allele origin: germline.

Illumina Laboratory Services, Illumina
Classification: Benign for Emery-Dreifuss muscular dystrophy 4, autosomal dominant. Last evaluated: 2018-01-13. Review status: criteria provided, single submitter. Criteria: ICSL Variant Classification Criteria 13 December 2019. Collection method: clinical testing. Allele origin: germline.
Comment: This variant was observed in the ICSL laboratory as part of a predisposition screen in an ostensibly healthy population. It had not been previously curated by ICSL or reported in the Human Gene Mutation Database (HGMD: prior to June 1st, 2018), and was therefore a candidate for classification through an automated scoring system. Utilizing variant allele frequency, disease prevalence and penetrance estimates, and inheritance mode, an automated score was calculated to assess if this variant is too frequent to cause the disease. Based on the score and internal cut-off values, a variant classified as benign is not then subjected to further curation. The score for this variant resulted in a classification of benign for this disease.

Illumina Laboratory Services, Illumina
Classification: Likely benign for Autosomal recessive ataxia, Beauce type. Last evaluated: 2018-01-13. Review status: criteria provided, single submitter. Criteria: ICSL Variant Classification Criteria 13 December 2019. Collection method: clinical testing. Allele origin: germline.
Comment: This variant was observed in the ICSL laboratory as part of a predisposition screen in an ostensibly healthy population. It had not been previously curated by ICSL or reported in the Human Gene Mutation Database (HGMD: prior to June 1st, 2018), and was therefore a candidate for classification through an automated scoring system. Utilizing variant allele frequency, disease prevalence and penetrance estimates, and inheritance mode, an automated score was calculated to assess if this variant is too frequent to cause the disease. Based on the score and internal cut-off values, a variant classified as likely benign is not then subjected to further curation. The score for this variant resulted in a classification of likely benign for this disease.

Athena Diagnostics
Classification: Benign. Last evaluated: 2017-09-18. Review status: criteria provided, single submitter. Criteria: Athena Diagnostics Criteria. Collection method: clinical testing. Allele origin: germline.

Eurofins Ntd Llc (ga)
Classification: Likely benign. Last evaluated: 2016-03-18. Review status: criteria provided, single submitter. Criteria: EGL Classification Definitions 2015. Collection method: clinical testing. Allele origin: germline. Observed: 1 variant allele, 1 heterozygote.

Breakthrough Genomics
Classification: Likely benign. Review status: criteria provided, single submitter. Criteria: ACMG Guidelines, 2015. Collection method: not provided. Allele origin: germline. Inheritance: Autosomal recessive inheritance. Affected: yes.

PreventionGenetics, part of Exact Sciences
Classification: Benign for SYNE1-related condition. Last evaluated: 2019-08-01. Review status: no assertion criteria provided. Collection method: clinical testing. Allele origin: germline. Not counted in ClinVar's aggregate classification.
Comment: This variant is classified as benign based on ACMG/AMP sequence variant interpretation guidelines (Richards et al. 2015 PMID: 25741868, with internal and published modifications).

Literature cited by the submitters: PubMed 31692161 (cited by Mayo Clinic Laboratories, Mayo Clinic and Women's Health and Genetics/Laboratory Corporation of America, LabCorp).

NM_182961.4(SYNE1):c.2177A>G (p.Glu726Gly)

Gene: SYNE1 (spectrin repeat containing nuclear envelope protein 1; minus strand). Cytogenetic location: 6q25.2.
Variant type: single nucleotide variant.
Coding change: c.2177A>G on transcript NM_182961.4 (MANE Select); coding-DNA position 2177, A replaced by G.
Protein change: p.Glu726Gly; replaces glutamic acid 726 with glycine.
Molecular consequence: missense variant.
Genome position (GRCh38, 1-based): chr6:152,462,811, T>C on the plus strand (A>G on the coding strand, the complement: SYNE1 is on the minus strand). VCF-style: chr6-152462811-T-C. GRCh37 (hg19) VCF-style: chr6-152783946-T-C.
Other names: p.Glu733Gly; c.2198A>G, p.Glu733Gly (NM_033071.5); short protein forms E726G, E733G.
Identifiers: ClinVar variation 286923 (VCV000286923.32), dbSNP rs35297226, ClinGen allele CA4059202.